The following is an entry in ClinVar:

ClinVar aggregate classification (germline): Uncertain significance (1 of 4 stars; one submission).

gnomAD v4.1: 1 of 1,613,422 alleles (0.000062%); highest among the groups gnomAD compares: Non-Finnish European, 0.000085%; no homozygotes.

Submission:

Labcorp Genetics (formerly Invitae), Labcorp
Classification: Uncertain significance. Last evaluated: 2025-06-02. Review status: criteria provided, single submitter. Criteria: Invitae Variant Classification Sherloc (09022015). Collection method: clinical testing. Allele origin: germline.
Comment: This sequence change replaces lysine, which is basic and polar, with glutamic acid, which is acidic and polar, at codon 523 of the CEP152 protein (p.Lys523Glu). This variant is not present in population databases (gnomAD no frequency). This variant has not been reported in the literature in individuals affected with CEP152-related conditions. An algorithm developed to predict the effect of missense changes on protein structure and function outputs the following: PolyPhen-2: "Benign". The glutamic acid amino acid residue is found in multiple mammalian species, which suggests that this missense change does not adversely affect protein function. In summary, the available evidence is currently insufficient to determine the role of this variant in disease. Therefore, it has been classified as a Variant of Uncertain Significance.

NM_001194998.2(CEP152):c.1567A>G (p.Lys523Glu)

Gene: CEP152 (centrosomal protein 152; minus strand). Cytogenetic location: 15q21.1.
Variant type: single nucleotide variant.
Coding change: c.1567A>G on transcript NM_001194998.2 (MANE Select); coding-DNA position 1567, A replaced by G.
Protein change: p.Lys523Glu; replaces lysine 523 with glutamic acid.
Molecular consequence: missense variant.
Genome position (GRCh38, 1-based): chr15:48,781,206, T>C on the plus strand (A>G on the coding strand, the complement: CEP152 is on the minus strand). VCF-style: chr15-48781206-T-C. GRCh37 (hg19) VCF-style: chr15-49073403-T-C.
Other names: c.1567A>G, p.Lys523Glu (NM_014985.4); short protein forms K523E.
Identifiers: ClinVar variation 4759584 (VCV004759584.1).